The following is an entry in ClinVar:

ClinVar aggregate classification (germline): Uncertain significance (1 of 4 stars; one submission).

Conditions:
Short QT syndrome type 3. Identifiers: Orphanet 51083, MedGen C1865018, MONDO:0012314, OMIM 609622.
Andersen Tawil syndrome (LQT7). Also called: Potassium-sensitive periodic paralysis, ventricular ectopy, and dysmorphic features; ANDERSEN CARDIODYSRHYTHMIC PERIODIC PARALYSIS; LONG QT SYNDROME 7; PERIODIC PARALYSIS, POTASSIUM-SENSITIVE CARDIODYSRHYTHMIC TYPE; Andersen Syndrome. Identifiers: Orphanet 37553, MedGen C1563715, MONDO:0008222, OMIM 170390.

Submission:

Labcorp Genetics (formerly Invitae), Labcorp
Classification: Uncertain significance for Short QT syndrome type 3; Andersen Tawil syndrome. Last evaluated: 2025-03-04. Review status: criteria provided, single submitter. Criteria: Invitae Variant Classification Sherloc (09022015). Collection method: clinical testing. Allele origin: germline.
Comment: This sequence change replaces isoleucine, which is neutral and non-polar, with phenylalanine, which is neutral and non-polar, at codon 87 of the KCNJ2 protein (p.Ile87Phe). This variant is not present in population databases (gnomAD no frequency). This variant has not been reported in the literature in individuals affected with KCNJ2-related conditions. Invitae Evidence Modeling of protein sequence and biophysical properties (such as structural, functional, and spatial information, amino acid conservation, physicochemical variation, residue mobility, and thermodynamic stability) indicates that this missense variant is not expected to disrupt KCNJ2 protein function with a negative predictive value of 95%. In summary, the available evidence is currently insufficient to determine the role of this variant in disease. Therefore, it has been classified as a Variant of Uncertain Significance.

NM_000891.3(KCNJ2):c.259A>T (p.Ile87Phe)

Gene: KCNJ2 (potassium inwardly rectifying channel subfamily J member 2; plus strand). Cytogenetic location: 17q24.3.
Variant type: single nucleotide variant.
Coding change: c.259A>T on transcript NM_000891.3 (MANE Select); coding-DNA position 259, A replaced by T.
Protein change: p.Ile87Phe; replaces isoleucine 87 with phenylalanine.
Molecular consequence: missense variant.
Genome position (GRCh38, 1-based): chr17:70,175,298, A>T. VCF-style: chr17-70175298-A-T. GRCh37 (hg19) VCF-style: chr17-68171439-A-T.
Other names: short protein forms I87F.
Identifiers: ClinVar variation 4783745 (VCV004783745.1).